The following is an entry in ClinVar:

NM_003119.4(SPG7):c.445G>A (p.Ala149Thr)

Gene: SPG7 (SPG7 matrix AAA peptidase subunit, paraplegin; plus strand). Cytogenetic location: 16q24.3.
Variant type: single nucleotide variant.
Coding change: c.445G>A on transcript NM_003119.4 (MANE Select); coding-DNA position 445, G replaced by A.
Protein change: p.Ala149Thr; replaces alanine 149 with threonine.
Molecular consequence: missense variant.
Genome position (GRCh38, 1-based): chr16:89,524,074, G>A. VCF-style: chr16-89524074-G-A. GRCh37 (hg19) VCF-style: chr16-89590482-G-A.
Other names: c.445G>A, p.Ala149Thr (NM_001363850.1, NM_199367.3); short protein forms A149T.
Identifiers: ClinVar variation 376975 (VCV000376975.4), dbSNP rs777638594, ClinGen allele CA8243642.

ClinVar aggregate classification (germline): Uncertain significance. Review status: criteria provided, multiple submitters, no conflicts (2 of 4 stars). 2 submissions from 2 submitters: Uncertain significance (2). Last evaluated 2017-06-08.

Allele frequency attached by ClinVar (database versions not stated): TOPMed below 0.00001; ExAC 0.00002; gnomAD exomes 0.00002 and 0.00004; gnomAD 0.00003.
gnomAD v4.1: 50 of 1,613,942 alleles (0.0031%); highest among the groups gnomAD compares: Non-Finnish European, 0.0042%; no homozygotes.

Submissions (2):

GeneDx
Classification: Uncertain significance. Last evaluated: 2017-06-08. Review status: criteria provided, single submitter. Criteria: GeneDx Variant Classification (06012015). Collection method: clinical testing. Allele origin: germline. Affected: yes.
Comment: The A149T variant in the SPG7 gene has not been reported previously as a pathogenic variant, nor as a benign variant, to our knowledge. The A149T variant is not observed at a significant frequency in large population cohorts (Lek et al., 2016; 1000 Genomes Consortium et al., 2015; Exome Variant Server). The A149T variant is a non-conservative amino acid substitution, which is likely to impact secondary protein structure as these residues differ in polarity, charge, size and/or other properties. This substitution occurs at a position where amino acids with similar properties to Alanine are tolerated across species. In silico analysis predicts this variant is probably damaging to the protein structure/function. We interpret A149T as a variant of uncertain significance.

Center for Pediatric Genomic Medicine, Children's Mercy Hospital and Clinics
Classification: Uncertain significance. Last evaluated: 2016-09-13. Review status: criteria provided, single submitter. Criteria: ACMG Guidelines, 2015. Collection method: clinical testing. Allele origin: germline.
ClinVar note: Converted during submission from Uncertain Significance to Uncertain significance.